The following is an entry in ClinVar:

ClinVar aggregate classification (germline): Likely benign (1 of 4 stars; one submission).

gnomAD v4.1: 295 of 1,607,150 alleles (0.018%); highest among the groups gnomAD compares: Admixed American, 0.49%; 1 homozygote.

Submission:

CeGaT Center for Human Genetics Tuebingen
Classification: Likely benign. Last evaluated: 2026-08-01. Review status: criteria provided, single submitter. Criteria: CeGaT Center For Human Genetics Tuebingen Variant Classification Criteria Version 2. Collection method: clinical testing. Allele origin: germline. Affected: yes. Observed: 4 variant alleles.
Comment: ZNF142: BP4, BP7

NM_001379659.1(ZNF142):c.4605G>A (p.Leu1535=)

Gene: ZNF142 (zinc finger protein 142; minus strand). Cytogenetic location: 2q35.
Variant type: single nucleotide variant.
Coding change: c.4605G>A on transcript NM_001379659.1 (MANE Select); coding-DNA position 4605, G replaced by A.
Protein change: p.Leu1535=; no amino-acid change (leucine 1535 retained).
Molecular consequence: synonymous variant.
Genome position (GRCh38, 1-based): chr2:218,642,511, C>T on the plus strand (G>A on the coding strand, the complement: ZNF142 is on the minus strand). VCF-style: chr2-218642511-C-T. GRCh37 (hg19) VCF-style: chr2-219507234-C-T.
Other names: c.4005G>A, p.Leu1335= (NM_001105537.5, NM_001366291.3, NM_001379662.1); c.3516G>A, p.Leu1172= (NM_001366287.3, NM_001366288.3, NM_001366289.3); c.4605G>A, p.Leu1535= (NM_001366290.3, NM_001379660.1, NM_001379661.1).
Identifiers: ClinVar variation 4822624 (VCV004822624.4).